The following is an entry in ClinVar:

ClinVar aggregate classification (germline): Uncertain significance (1 of 4 stars; one submission).

Conditions:
Insulin-dependent diabetes mellitus secretory diarrhea syndrome (IPEX). Also called: Immunodeficiency, Polyendocrinopathy, and Enteropathy X-Linked Syndrome; X-Linked Syndrome of Polyendocrinopathy, Immune Dysfunction, and Diarrhea; IPEX and IPEX-Like; Immune dysregulation-polyendocrinopathy-enteropathy-X-linked syndrome; X-Linked Autoimmunity-Allergic Dysregulation Syndrome; DIABETES MELLITUS, CONGENITAL INSULIN-DEPENDENT, WITH FATAL SECRETORY DIARRHEA. Identifiers: Orphanet 37042, MedGen C0342288, MONDO:0010580, OMIM 304790. Disease mechanism: loss of function.

Allele frequency attached by ClinVar (database versions not stated): gnomAD exomes below 0.00001; gnomAD 0.00002; TOPMed 0.00002.
gnomAD v4.1: 5 of 1,188,310 alleles (0.00042%); highest among the groups gnomAD compares: Non-Finnish European, 0.00045%; no homozygotes.

Submission:

Labcorp Genetics (formerly Invitae), Labcorp
Classification: Uncertain significance for Insulin-dependent diabetes mellitus secretory diarrhea syndrome. Last evaluated: 2023-07-28. Review status: criteria provided, single submitter. Criteria: Invitae Variant Classification Sherloc (09022015). Collection method: clinical testing. Allele origin: germline.
Comment: In summary, the available evidence is currently insufficient to determine the role of this variant in disease. Therefore, it has been classified as a Variant of Uncertain Significance. Advanced modeling of protein sequence and biophysical properties (such as structural, functional, and spatial information, amino acid conservation, physicochemical variation, residue mobility, and thermodynamic stability) has been performed at Invitae for this missense variant, however the output from this modeling did not meet the statistical confidence thresholds required to predict the impact of this variant on FOXP3 protein function. This variant has not been reported in the literature in individuals affected with FOXP3-related conditions. This variant is not present in population databases (gnomAD no frequency). This sequence change replaces glycine, which is neutral and non-polar, with arginine, which is basic and polar, at codon 21 of the FOXP3 protein (p.Gly21Arg).

NM_014009.4(FOXP3):c.61G>C (p.Gly21Arg)

Gene: FOXP3 (forkhead box P3; minus strand). Cytogenetic location: Xp11.23.
Variant type: single nucleotide variant.
Coding change: c.61G>C on transcript NM_014009.4 (MANE Select); coding-DNA position 61, G replaced by C.
Protein change: p.Gly21Arg; replaces glycine 21 with arginine.
Molecular consequence: missense variant.
Genome position (GRCh38, 1-based): chrX:49,258,445, C>G on the plus strand (G>C on the coding strand, the complement: FOXP3 is on the minus strand). VCF-style: chrX-49258445-C-G. GRCh37 (hg19) VCF-style: chrX-49114902-C-G.
Other names: c.61G>C, p.Gly21Arg (NM_001114377.2); short protein forms G21R.
Identifiers: ClinVar variation 2715771 (VCV002715771.3), dbSNP rs782138321, ClinGen allele CA10411866.